The following is an entry in ClinVar:

NM_000326.5(RLBP1):c.346G>A (p.Gly116Ser)

Gene: RLBP1 (retinaldehyde binding protein 1; minus strand). Cytogenetic location: 15q26.1.
Variant type: single nucleotide variant.
Coding change: c.346G>A on transcript NM_000326.5 (MANE Select); coding-DNA position 346, G replaced by A.
Protein change: p.Gly116Ser; replaces glycine 116 with serine.
Molecular consequence: missense variant.
Genome position (GRCh38, 1-based): chr15:89,217,120, C>T on the plus strand (G>A on the coding strand, the complement: RLBP1 is on the minus strand). VCF-style: chr15-89217120-C-T. GRCh37 (hg19) VCF-style: chr15-89760351-C-T.
Other names: short protein forms G116S.
Identifiers: ClinVar variation 1064292 (VCV001064292.10), dbSNP rs762326108, ClinGen allele CA393730654.

ClinVar aggregate classification (germline): Uncertain significance (1 of 4 stars; one submission).

Submission:

Labcorp Genetics (formerly Invitae), Labcorp
Classification: Uncertain significance. Last evaluated: 2023-03-01. Review status: criteria provided, single submitter. Criteria: Invitae Variant Classification Sherloc (09022015). Collection method: clinical testing. Allele origin: germline.
Comment: In summary, the available evidence is currently insufficient to determine the role of this variant in disease. Therefore, it has been classified as a Variant of Uncertain Significance. This variant disrupts the c.346G nucleotide in the RLBP1 gene. Other variant(s) that disrupt this nucleotide have been determined to be pathogenic (PMID: 21447491). This suggests that this nucleotide is clinically significant, and that variants that disrupt this position are likely to be disease-causing. Variants that disrupt the consensus splice site are a relatively common cause of aberrant splicing (PMID: 17576681, 9536098). Algorithms developed to predict the effect of sequence changes on RNA splicing suggest that this variant may disrupt the consensus splice site. An algorithm developed to predict the effect of missense changes on protein structure and function (PolyPhen-2) suggests that this variant is likely to be disruptive. ClinVar contains an entry for this variant (Variation ID: 1064292). This variant has not been reported in the literature in individuals affected with RLBP1-related conditions. This variant is not present in population databases (gnomAD no frequency). This sequence change replaces glycine, which is neutral and non-polar, with serine, which is neutral and polar, at codon 116 of the RLBP1 protein (p.Gly116Ser). This variant also falls at the last nucleotide of exon 5, which is part of the consensus splice site for this exon.

Literature cited by the submitters: PubMed 21447491; PubMed 17576681; PubMed 9536098.